The following is an entry in ClinVar:

ClinVar aggregate classification (germline): Uncertain significance. Review status: criteria provided, multiple submitters, no conflicts (2 of 4 stars). 2 submissions from 2 submitters: Uncertain significance (2). Last evaluated 2025-10-09.

Allele frequency attached by ClinVar (database versions not stated): gnomAD exomes 0.00001; TOPMed 0.00002; ExAC 0.00003; 1000 Genomes Project 0.00040; 1000 Genomes Project 30x 0.00047.
gnomAD v4.1: 19 of 1,609,376 alleles (0.0012%); highest among the groups gnomAD compares: Admixed American, 0.005%; no homozygotes.

Submissions (2):

Athena Diagnostics
Classification: Uncertain significance. Last evaluated: 2025-10-09. Review status: criteria provided, single submitter. Criteria: Athena Diagnostics Criteria. Collection method: clinical testing. Allele origin: unknown.
Comment: Available data are insufficient to determine the clinical significance of the variant at this time. The frequency of this variant in the general population is uninformative in assessment of its pathogenicity. Polyphen and MutationTaster predict this amino acid change may be benign.

Revvity Omics, Revvity
Classification: Uncertain significance. Last evaluated: 2019-09-09. Review status: criteria provided, single submitter. Criteria: ACMG Guidelines, 2015. Collection method: clinical testing. Allele origin: germline.

NM_001267550.2(TTN):c.78563T>C (p.Val26188Ala)

Genes: TTN (titin; minus strand), TTN-AS1 (TTN antisense RNA 1; plus strand). Cytogenetic location: 2q31.2.
Variant type: single nucleotide variant.
Coding change: c.78563T>C on transcript NM_001267550.2 (MANE Select); coding-DNA position 78563, T replaced by C.
Protein change: p.Val26188Ala; replaces valine 26188 with alanine.
Molecular consequence: missense variant.
Genome position (GRCh38, 1-based): chr2:178,567,569, A>G on the plus strand (T>C on the coding strand, the complement: TTN is on the minus strand). VCF-style: chr2-178567569-A-G. GRCh37 (hg19) VCF-style: chr2-179432296-A-G.
Other names: c.73640T>C, p.Val24547Ala (NM_001256850.1); c.51368T>C, p.Val17123Ala (NM_003319.4); c.70859T>C, p.Val23620Ala (NM_133378.4); c.51743T>C, p.Val17248Ala (NM_133432.3); c.51944T>C, p.Val17315Ala (NM_133437.4); short protein forms V17123A, V17248A, V17315A, V23620A, V24547A, V26188A.
Identifiers: ClinVar variation 2438073 (VCV002438073.4), dbSNP rs149994923, ClinGen allele CA1989585.
Genomic context (GRCh38, chr2:178,567,569, plus strand): 5'-CCAGCATTTACCACAATTGTGTCTCTGAATTTTGGATCCATTGAAATTCTTGGGAGTTCA[A>G]CCTCATCCTTGGCAGTTATTGGTCCAGTACTGTCAGAGGGTTTACTTATTGCACCAGCTG-3'
Protein context (NP_001254479.2, residues 26178-26198): STGPITAKDE[Val26188Ala]ELPRISMDPK